The following is an entry in ClinVar:

NM_004556.3(NFKBIE):c.351C>T (p.Ser117=)

Gene: NFKBIE (NFKB inhibitor epsilon; minus strand). Cytogenetic location: 6p21.1.
Variant type: single nucleotide variant.
Coding change: c.351C>T on transcript NM_004556.3 (MANE Select); coding-DNA position 351, C replaced by T.
Protein change: p.Ser117=; no amino-acid change (serine 117 retained).
Molecular consequence: synonymous variant.
Genome position (GRCh38, 1-based): chr6:44,264,996, G>A on the plus strand (C>T on the coding strand, the complement: NFKBIE is on the minus strand). VCF-style: chr6-44264996-G-A. GRCh37 (hg19) VCF-style: chr6-44232733-G-A.
Identifiers: ClinVar variation 723585 (VCV000723585.17), dbSNP rs2233435, ClinGen allele CA3833167.

ClinVar aggregate classification (germline): Benign/Likely benign. Review status: criteria provided, multiple submitters, no conflicts (2 of 4 stars). 2 submissions from 2 submitters: Benign (1); Likely benign (1). Last evaluated 2024-10-01.

Allele frequency attached by ClinVar (database versions not stated): gnomAD exomes 0.00066; ExAC 0.00169; 1000 Genomes Project 30x 0.00281; ESP Exome Variant Server 0.00293; TOPMed 0.00293; 1000 Genomes Project 0.00300.
gnomAD v4.1: 750 of 1,575,478 alleles (0.048%); highest among the groups gnomAD compares: African/African-American, 0.86%; 5 homozygotes.

Submissions (2):

CeGaT Center for Human Genetics Tuebingen
Classification: Likely benign. Last evaluated: 2024-10-01. Review status: criteria provided, single submitter. Criteria: CeGaT Center For Human Genetics Tuebingen Variant Classification Criteria Version 2. Collection method: clinical testing. Allele origin: germline. Affected: yes. Observed: 1 variant allele.
Comment: NFKBIE: BP4, BP7

Labcorp Genetics (formerly Invitae), Labcorp
Classification: Benign. Last evaluated: 2018-07-06. Review status: criteria provided, single submitter. Criteria: Invitae Variant Classification Sherloc (09022015). Collection method: clinical testing. Allele origin: germline.